The following is an entry in ClinVar:

ClinVar aggregate classification (germline): Uncertain significance. Review status: criteria provided, multiple submitters, no conflicts (2 of 4 stars). 2 submissions from 2 submitters: Uncertain significance (2). Last evaluated 2025-10-20.

Allele frequency attached by ClinVar (database versions not stated): gnomAD 0.00001; gnomAD exomes 0.00001; ExAC 0.00003; TOPMed 0.00003.
gnomAD v4.1: 10 of 1,613,762 alleles (0.00062%); highest among the groups gnomAD compares: East Asian, 0.022%; no homozygotes.

Submissions (2):

Labcorp Genetics (formerly Invitae), Labcorp
Classification: Uncertain significance. Last evaluated: 2025-10-20. Review status: criteria provided, single submitter. Criteria: Invitae Variant Classification Sherloc (09022015). Collection method: clinical testing. Allele origin: germline.
Comment: This sequence change replaces glycine, which is neutral and non-polar, with aspartic acid, which is acidic and polar, at codon 506 of the KIAA1549 protein (p.Gly506Asp). This variant is present in population databases (rs765125056, gnomAD 0.03%). This variant has not been reported in the literature in individuals affected with KIAA1549-related conditions. ClinVar contains an entry for this variant (Variation ID: 2002354). An algorithm developed to predict the effect of missense changes on protein structure and function outputs the following: PolyPhen-2: "Benign". The aspartic acid amino acid residue is found in multiple mammalian species, which suggests that this missense change does not adversely affect protein function. In summary, the available evidence is currently insufficient to determine the role of this variant in disease. Therefore, it has been classified as a Variant of Uncertain Significance.

Blueprint Genetics
Classification: Uncertain significance. Last evaluated: 2022-09-05. Review status: criteria provided, single submitter. Criteria: ACMG Guidelines, 2015. Collection method: clinical testing. Allele origin: germline.

NM_001164665.2(KIAA1549):c.1517G>A (p.Gly506Asp)

Gene: KIAA1549 (KIAA1549; minus strand). Cytogenetic location: 7q34.
Variant type: single nucleotide variant.
Coding change: c.1517G>A on transcript NM_001164665.2 (MANE Select); coding-DNA position 1517, G replaced by A.
Protein change: p.Gly506Asp; replaces glycine 506 with aspartic acid.
Molecular consequence: missense variant.
Genome position (GRCh38, 1-based): chr7:138,918,109, C>T on the plus strand (G>A on the coding strand, the complement: KIAA1549 is on the minus strand). VCF-style: chr7-138918109-C-T. GRCh37 (hg19) VCF-style: chr7-138602855-C-T.
Other names: c.1517G>A, p.Gly506Asp (NM_020910.3); short protein forms G506D.
Identifiers: ClinVar variation 2002354 (VCV002002354.5), dbSNP rs765125056, ClinGen allele CA4506707.
Genomic context (GRCh38, chr7:138,918,109, plus strand): 5'-CCGTGGGCAGGGGGAACCTGTGTGGTTGTAACACTACTCATATCCACCTCGGCAGAAATG[C>T]CAACACTCGTCTCTGAGATTTCCATGGATCTAGAAGAAAGTGGGACGATAGGTCTGGAGG-3'
Protein context (NP_001158137.1, residues 496-516): RSMEISETSV[Gly506Asp]ISAEVDMSSV